The following is an entry in ClinVar:

NM_000091.5(COL4A3):c.3068_3069del (p.Pro1023fs)

Genes: COL4A3 (collagen type IV alpha 3 chain; plus strand), MFF-DT (MFF divergent transcript; minus strand). Cytogenetic location: 2q36.3.
Variant type: Deletion.
Coding change: c.3068_3069del on transcript NM_000091.5 (MANE Select); coding-DNA positions 3068 to 3069, 2 bases deleted (CA; older notation c.3068_3069delCA).
Protein change: p.Pro1023fs; shifts the reading frame from proline 1023.
Molecular consequence: frameshift variant.
Genome position (GRCh38, 1-based): chr2:227,290,086-227,290,087, CA deleted. VCF-style (leftmost placement, unchanged base first): chr2-227290085-CCA-C. GRCh37 (hg19) VCF-style: chr2-228154801-CCA-C.
Other names: c.3068_3069delCA (NM_000091.4); short protein forms P1023fs.
Identifiers: ClinVar variation 422920 (VCV000422920.9), dbSNP rs1064796094, ClinGen allele CA16617488.
Genomic context (GRCh38, chr2:227,290,085, plus strand): 5'-GGGAATCCTGGAGAACCAGGACTGCGTGGTATACCAGGAAGCATGGGGAACATGGGCATG[CCA>C]GGTAATGCATAAGGTCCTGTTATGAGCCCACAAGCTCATGATGGGTGAGGACTCCAGATT-3'

ClinVar aggregate classification (germline): Pathogenic/Likely pathogenic. Review status: criteria provided, multiple submitters, no conflicts (2 of 4 stars). 3 submissions from 3 submitters: Pathogenic (1); Likely pathogenic (2). Last evaluated 2022-02-01.

Conditions:
Autosomal dominant Alport syndrome (ATS3A). Also called: Alport syndrome dominant type; Renal failure and sensorineural hearing loss; ALPORT SYNDROME 3A, AUTOSOMAL DOMINANT. Identifiers: Orphanet 63, Orphanet 88918, MedGen C5882663, MONDO:0007086, OMIM 104200.
Autosomal recessive Alport syndrome (ATS2). Also called: COL4A4 Alport Syndrome and Thin Basement Membrane Nephropathy; Alport syndrome type 2; COL4A3-Related Nephropathy; ALPORT SYNDROME 2, AUTOSOMAL RECESSIVE. Identifiers: Orphanet 63, Orphanet 88919, MedGen C4746745, MONDO:0008762, OMIM 203780.
Benign familial hematuria. Also called: thin basement membrane disease. Identifiers: MedGen C0241908, MONDO:0957317.

Allele frequency attached by ClinVar (database versions not stated): gnomAD exomes below 0.00001.

Submissions (3):

Fulgent Genetics
Classification: Likely pathogenic for Autosomal dominant Alport syndrome; Hematuria, benign familial, 1; Autosomal recessive Alport syndrome. Last evaluated: 2022-02-01. Review status: criteria provided, single submitter. Criteria: ACMG Guidelines, 2015. Collection method: clinical testing. Allele origin: unknown.

Labcorp Genetics (formerly Invitae), Labcorp
Classification: Pathogenic. Last evaluated: 2021-10-20. Review status: criteria provided, single submitter. Criteria: Invitae Variant Classification Sherloc (09022015). Collection method: clinical testing. Allele origin: germline.
Comment: This sequence change creates a premature translational stop signal (p.Pro1023Argfs*3) in the COL4A3 gene. It is expected to result in an absent or disrupted protein product. Loss-of-function variants in COL4A3 are known to be pathogenic (PMID: 8956999, 24854265, 26809805, 27281700). This variant is not present in population databases (ExAC no frequency). This variant has not been reported in the literature in individuals affected with COL4A3-related conditions. ClinVar contains an entry for this variant (Variation ID: 422920). Algorithms developed to predict the effect of sequence changes on RNA splicing suggest that this variant may disrupt the consensus splice site. For these reasons, this variant has been classified as Pathogenic.

GeneDx
Classification: Likely pathogenic. Last evaluated: 2016-12-30. Review status: criteria provided, single submitter. Criteria: GeneDx Variant Classification (06012015). Collection method: clinical testing. Allele origin: germline. Affected: yes.
Comment: The c.3068_3069delCA variant in the COL4A3 gene has not been reported previously as a pathogenic variant nor as a benign variant, to our knowledge. The c.3068_3069delCA variant causes a frameshift starting with codon Proline 1023, changes this amino acid to a Arginine residue, and creates a premature Stop codon at position 3 of the new reading frame, denoted p.Pro1023ArgfsX3. This variant is predicted to cause loss of normal protein function either through protein truncation or nonsense-mediated mRNA decay. As an alternate mechanism, this variant is predicted to destroy the natural splice donor site in intron 36, which may cause abnormal splicing. However, in the absence of RNA/functional studies, the actual effect of c.3068_3069delCA is unknown. The c.3068_3069delCA variant was not observed in approximately 6,100 individuals of European and African American ancestry in the NHLBI Exome Sequencing Project, indicating it is not a common benign variant in these populations. We interpret c.3068_3069delCA as a likely pathogenic variant.

Literature cited by the submitters: PubMed 8956999 (cited by Labcorp Genetics (formerly Invitae), Labcorp); PubMed 24854265 (cited by Labcorp Genetics (formerly Invitae), Labcorp); PubMed 26809805 (cited by Labcorp Genetics (formerly Invitae), Labcorp); PubMed 27281700 (cited by Labcorp Genetics (formerly Invitae), Labcorp).